The following is an entry in ClinVar:

NM_014639.4(SKIC3):c.1022C>T (p.Ala341Val)

Gene: SKIC3 (SKI3 subunit of superkiller complex; minus strand). Cytogenetic location: 5q15.
Variant type: single nucleotide variant.
Coding change: c.1022C>T on transcript NM_014639.4 (MANE Select); coding-DNA position 1022, C replaced by T.
Protein change: p.Ala341Val; replaces alanine 341 with valine.
Molecular consequence: missense variant.
Genome position (GRCh38, 1-based): chr5:95,528,125, G>A on the plus strand (C>T on the coding strand, the complement: SKIC3 is on the minus strand). VCF-style: chr5-95528125-G-A. GRCh37 (hg19) VCF-style: chr5-94863829-G-A.
Other names: c.1022C>T (NM_014639.3); short protein forms A341V.
Identifiers: ClinVar variation 1497663 (VCV001497663.4), dbSNP rs748930854, ClinGen allele CA3347446.
Genomic context (GRCh38, chr5:95,528,125, plus strand): 5'-ATCAAAGCCTCTGCTTTCAAATGAAGACAAAGATTCCTCTGATAAAGACTGTTACCAGAC[G>A]CACCAAGATTATCTACGATCTTCAGAGCTGACAAAATTAAGGGTATCCAAATGAAGACAG-3'
Protein context (NP_055454.1, residues 331-351): QALKIVDNLG[Ala341Val]SGNSLYQRNL

ClinVar aggregate classification (germline): Conflicting classifications of pathogenicity. Review status: criteria provided, conflicting classifications (1 of 4 stars). 2 submissions from 2 submitters: Uncertain significance (1); Likely benign (1). Last evaluated 2025-10-14.

Conditions:
Inborn genetic diseases. Identifiers: MedGen C0950123, MeSH D030342.

Allele frequency attached by ClinVar (database versions not stated): gnomAD exomes 0.00003 and 0.00002; ExAC 0.00005; TOPMed 0.00003; gnomAD 0.00001.
gnomAD v4.1: 28 of 1,613,594 alleles (0.0017%); highest among the groups gnomAD compares: African/African-American, 0.0053%; no homozygotes.

Submissions (2):

Ambry Genetics
Classification: Likely benign for Inborn genetic diseases. Last evaluated: 2025-10-14. Review status: criteria provided, single submitter. Criteria: Ambry Variant Classification Scheme 2023. Collection method: clinical testing. Allele origin: germline.

Labcorp Genetics (formerly Invitae), Labcorp
Classification: Uncertain significance. Last evaluated: 2022-07-10. Review status: criteria provided, single submitter. Criteria: Invitae Variant Classification Sherloc (09022015). Collection method: clinical testing. Allele origin: germline.
Comment: This sequence change replaces alanine, which is neutral and non-polar, with valine, which is neutral and non-polar, at codon 341 of the TTC37 protein (p.Ala341Val). This variant is present in population databases (rs748930854, gnomAD 0.004%). This variant has not been reported in the literature in individuals affected with TTC37-related conditions. ClinVar contains an entry for this variant (Variation ID: 1497663). Algorithms developed to predict the effect of missense changes on protein structure and function output the following: SIFT: "Tolerated"; PolyPhen-2: "Benign"; Align-GVGD: "Class C0". The valine amino acid residue is found in multiple mammalian species, which suggests that this missense change does not adversely affect protein function. In summary, the available evidence is currently insufficient to determine the role of this variant in disease. Therefore, it has been classified as a Variant of Uncertain Significance.